The following is an entry in ClinVar:

ClinVar aggregate classification (germline): Uncertain significance (1 of 4 stars; one submission).

Submission:

Labcorp Genetics (formerly Invitae), Labcorp
Classification: Uncertain significance. Last evaluated: 2022-07-12. Review status: criteria provided, single submitter. Criteria: Invitae Variant Classification Sherloc (09022015). Collection method: clinical testing. Allele origin: germline.
Comment: This variant has not been reported in the literature in individuals affected with SLC39A8-related conditions. In summary, the available evidence is currently insufficient to determine the role of this variant in disease. Therefore, it has been classified as a Variant of Uncertain Significance. This variant is not present in population databases (gnomAD no frequency). This sequence change creates a premature translational stop signal (p.Gly56Glufs*20) in the SLC39A8 gene. It is expected to result in an absent or disrupted protein product. However, the current clinical and genetic evidence is not sufficient to establish whether loss-of-function variants in SLC39A8 cause disease.

NM_001135146.2(SLC39A8):c.167del (p.Gly56fs)

Gene: SLC39A8 (solute carrier family 39 member 8; minus strand). Cytogenetic location: 4q24.
Variant type: Deletion.
Coding change: c.167del on transcript NM_001135146.2 (MANE Select); coding-DNA position 167, one base deleted (G; older notation c.167delG).
Protein change: p.Gly56fs; shifts the reading frame from glycine 56.
Molecular consequence: frameshift variant.
Genome position (GRCh38, 1-based): chr4:102,344,496, C deleted on the plus strand (G on the coding strand, the reverse complement: SLC39A8 is on the minus strand); the first of 3 consecutive C bases (chr4:102,344,496-102,344,498); deleting any one gives the same sequence. VCF-style (leftmost placement, unchanged base first): chr4-102344495-TC-T. GRCh37 (hg19) VCF-style: chr4-103265652-TC-T.
Other names: c.167del, p.Gly56fs (NM_001135147.1, NM_022154.5); short protein forms G56fs.
Identifiers: ClinVar variation 2065099 (VCV002065099.4), dbSNP rs2476524315, ClinGen allele CA2580071261.